The following is an entry in ClinVar:

NM_004738.5(VAPB):c.85A>G (p.Asn29Asp)

Gene: VAPB (VAMP associated protein B and C; plus strand). Cytogenetic location: 20q13.32.
Variant type: single nucleotide variant.
Coding change: c.85A>G on transcript NM_004738.5 (MANE Select); coding-DNA position 85, A replaced by G.
Protein change: p.Asn29Asp; replaces asparagine 29 with aspartic acid.
Molecular consequence: missense variant. On other transcripts: non-coding transcript variant (1).
Genome position (GRCh38, 1-based): chr20:58,418,237, A>G. VCF-style: chr20-58418237-A-G. GRCh37 (hg19) VCF-style: chr20-56993293-A-G.
Other names: c.85A>G, p.Asn29Asp (NM_001195677.2); short protein forms N29D.
Identifiers: ClinVar variation 1357097 (VCV001357097.10), dbSNP rs2123058664, ClinGen allele CA409442317.
Genomic context (GRCh38, chr20:58,418,237, plus strand): 5'-GAGACCCCCAATCAGTCTCTGTCTCATTCTACAGGTCCCTTCACCGATGTTGTCACCACC[A>G]ACCTAAAGCTTGGCAACCCGACAGACCGAAATGTGTGTTTTAAGGTGAAGACTACAGCAC-3'
Protein context (NP_004729.1, residues 19-39): RGPFTDVVTT[Asn29Asp]LKLGNPTDRN

ClinVar aggregate classification (germline): Uncertain significance (1 of 4 stars; one submission).

Conditions:
Adult-onset proximal spinal muscular atrophy, autosomal dominant. Also called: Spinal muscular atrophy, late-onset, finkel type; FINKEL LATE-ADULT TYPE SMA. Identifiers: Orphanet 209335, MedGen C1854058, MONDO:0008453, OMIM 182980.
Amyotrophic lateral sclerosis type 8 (ALS8). Identifiers: Orphanet 803, MedGen C1837728, MONDO:0012077, OMIM 608627.

Submission:

Labcorp Genetics (formerly Invitae), Labcorp
Classification: Uncertain significance for Adult-onset proximal spinal muscular atrophy, autosomal dominant; Amyotrophic lateral sclerosis type 8. Last evaluated: 2024-12-18. Review status: criteria provided, single submitter. Criteria: Invitae Variant Classification Sherloc (09022015). Collection method: clinical testing. Allele origin: germline.
Comment: This sequence change replaces asparagine, which is neutral and polar, with aspartic acid, which is acidic and polar, at codon 29 of the VAPB protein (p.Asn29Asp). This variant is not present in population databases (gnomAD no frequency). This variant has not been reported in the literature in individuals affected with VAPB-related conditions. ClinVar contains an entry for this variant (Variation ID: 1357097). Invitae Evidence Modeling of protein sequence and biophysical properties (such as structural, functional, and spatial information, amino acid conservation, physicochemical variation, residue mobility, and thermodynamic stability) indicates that this missense variant is not expected to disrupt VAPB protein function with a negative predictive value of 80%. In summary, the available evidence is currently insufficient to determine the role of this variant in disease. Therefore, it has been classified as a Variant of Uncertain Significance.